The following is an entry in ClinVar:

ClinVar aggregate classification (germline): Uncertain significance. Review status: reviewed by expert panel (3 of 4 stars). 3 submissions from 3 submitters: Uncertain significance (1). 2 of the submissions do not count toward it. Last evaluated 2024-10-29.

Conditions:
Acute myeloid leukemia (AML). Also called: Acute myeloid leukemia, adult; AML adult; Acute non-lymphocytic leukemia; Acute granulocytic leukemia; Leukemia, acute myelogenous, somatic; Leukemia, acute myeloid, somatic. Identifiers: Orphanet 519, MedGen C0023467, MeSH D015470, MONDO:0018874, OMIM 601626, HP:0004808. Disease mechanism: Constitutively activated FLT3.
Inborn genetic diseases. Identifiers: MedGen C0950123, MeSH D030342.
Hereditary thrombocytopenia and hematologic cancer predisposition syndrome. Identifiers: Orphanet 71290, MedGen CN281654, MONDO:0011071.

Allele frequency attached by ClinVar (database versions not stated): gnomAD exomes below 0.00001.
gnomAD v4.1: 1 of 1,611,650 alleles (0.000062%); highest among the groups gnomAD compares: Non-Finnish European, 0.000085%; no homozygotes.

Submissions (3):

ClinGen Myeloid Malignancy Variant Curation Expert Panel
Classification: Uncertain significance for Hereditary thrombocytopenia and hematologic cancer predisposition syndrome. Last evaluated: 2024-10-29. Review status: reviewed by expert panel. Criteria: ClinGen MyeloMalig ACMG Specifications v2. Collection method: curation. Allele origin: germline. Inheritance: Autosomal dominant inheritance.
Comment: NM_001754.5(RUNX1):c.232A>C (p.Met78Leu) is a missense variant which is completely absent from all population databases with at least 20x coverage for RUNX1 (PM2_Supporting). In summary, the clinical significance of this variant is uncertain. ACMG/AMP criteria applied, as specified by the Myeloid Malignancy Variant Curation Expert Panel for RUNX1: PM2_supporting.

Ambry Genetics
Classification: Uncertain significance for Inborn genetic diseases. Last evaluated: 2024-11-20. Review status: criteria provided, single submitter. Criteria: Ambry Variant Classification Scheme 2023. Collection method: clinical testing. Allele origin: germline. Not counted in ClinVar's aggregate classification.
Comment: The p.M78L variant (also known as c.232A>C), located in coding exon 3 of the RUNX1 gene, results from an A to C substitution at nucleotide position 232. The methionine at codon 78 is replaced by leucine, an amino acid with highly similar properties. This amino acid position is conserved. In addition, this alteration is predicted to be deleterious by in silico analysis. Based on the available evidence, the clinical significance of this variant remains unclear.

Baylor Genetics
Classification: Uncertain significance for Acute myeloid leukemia. Last evaluated: 2023-05-26. Review status: criteria provided, single submitter. Criteria: ACMG Guidelines, 2015. Collection method: clinical testing. Allele origin: unknown. Not counted in ClinVar's aggregate classification.

NM_001754.5(RUNX1):c.232A>C (p.Met78Leu)

Gene: RUNX1 (RUNX family transcription factor 1; minus strand). Cytogenetic location: 21q22.12.
Variant type: single nucleotide variant.
Coding change: c.232A>C on transcript NM_001754.5 (MANE Select); coding-DNA position 232, A replaced by C.
Protein change: p.Met78Leu; replaces methionine 78 with leucine.
Molecular consequence: missense variant.
Genome position (GRCh38, 1-based): chr21:34,886,962, T>G on the plus strand (A>C on the coding strand, the complement: RUNX1 is on the minus strand). VCF-style: chr21-34886962-T-G. GRCh37 (hg19) VCF-style: chr21-36259259-T-G.
Other names: NM_001754.5(RUNX1):c.232A>C; p.Met78Leu; c.151A>C, p.Met51Leu (NM_001001890.3, NM_001122607.2); short protein forms M51L, M78L.
Identifiers: ClinVar variation 2678498 (VCV002678498.3), dbSNP rs878854467, ClinGen allele CA410203843.